The following is an entry in ClinVar:

ClinVar aggregate classification (germline): Uncertain significance. Review status: criteria provided, single submitter (1 of 4 stars). 2 submissions from 2 submitters: Uncertain significance (1). 1 of the submissions does not count toward it. Last evaluated 2026-01-12.

Conditions:
Late-infantile neuronal ceroid lipofuscinosis. Also called: Jansky-Bielschowsky disease. Identifiers: MedGen C0022340, MONDO:0015674.
Neuronal ceroid lipofuscinosis 7 (CLN7). Also called: MFSD8-Related Neuronal Ceroid-Lipofuscinosis. Identifiers: Orphanet 168491, Orphanet 228366, MedGen C1838571, MONDO:0012588, OMIM 610951.

Submissions (2):

Labcorp Genetics (formerly Invitae), Labcorp
Classification: Uncertain significance for Neuronal ceroid lipofuscinosis 7. Last evaluated: 2026-01-12. Review status: criteria provided, single submitter. Criteria: Invitae Variant Classification Sherloc (09022015). Collection method: clinical testing. Allele origin: germline.
Comment: This sequence change replaces asparagine, which is neutral and polar, with serine, which is neutral and polar, at codon 309 of the MFSD8 protein (p.Asn309Ser). This variant is not present in population databases (gnomAD no frequency). This variant has not been reported in the literature in individuals affected with MFSD8-related conditions. ClinVar contains an entry for this variant (Variation ID: 1044369). Invitae Evidence Modeling of protein sequence and biophysical properties (such as structural, functional, and spatial information, amino acid conservation, physicochemical variation, residue mobility, and thermodynamic stability) indicates that this missense variant is not expected to disrupt MFSD8 protein function with a negative predictive value of 80%. In summary, the available evidence is currently insufficient to determine the role of this variant in disease. Therefore, it has been classified as a Variant of Uncertain Significance.

Natera, Inc.
Classification: Uncertain significance for Late-infantile neuronal ceroid lipofuscinosis. Last evaluated: 2021-03-10. Review status: no assertion criteria provided. Collection method: clinical testing. Allele origin: germline. Not counted in ClinVar's aggregate classification.

NM_001371596.2(MFSD8):c.926A>G (p.Asn309Ser)

Gene: MFSD8 (major facilitator superfamily domain containing 8; minus strand). Cytogenetic location: 4q28.2.
Variant type: single nucleotide variant.
Coding change: c.926A>G on transcript NM_001371596.2 (MANE Select); coding-DNA position 926, A replaced by G.
Protein change: p.Asn309Ser; replaces asparagine 309 with serine.
Molecular consequence: missense variant.
Genome position (GRCh38, 1-based): chr4:127,930,755, T>C on the plus strand (A>G on the coding strand, the complement: MFSD8 is on the minus strand). VCF-style: chr4-127930755-T-C. GRCh37 (hg19) VCF-style: chr4-128851910-T-C.
Other names: c.725A>G, p.Asn242Ser (NM_001363520.3); c.611A>G, p.Asn204Ser (NM_001363521.3); c.791A>G, p.Asn264Ser (NM_001371590.2); c.926A>G, p.Asn309Ser (NM_001371591.2, NM_152778.4); c.932A>G, p.Asn311Ser (NM_001371592.2); c.812A>G, p.Asn271Ser (NM_001371593.2, NM_001410766.1); c.779A>G, p.Asn260Ser (NM_001371594.2); c.644A>G, p.Asn215Ser (NM_001371595.1); and 1 more; short protein forms N204S, N215S, N260S, N264S, N271S, N311S, N242S, N309S.
Identifiers: ClinVar variation 1044369 (VCV001044369.7), dbSNP rs1737983004, ClinGen allele CA358173806.